The following is an entry in ClinVar:

NM_001851.6(COL9A1):c.1504-19A>C

Gene: COL9A1 (collagen type IX alpha 1 chain; minus strand). Cytogenetic location: 6q13.
Variant type: single nucleotide variant.
Coding change: c.1504-19A>C on transcript NM_001851.6 (MANE Select); 19 bases into the intron before coding-DNA position 1504, A replaced by C.
Molecular consequence: intron variant.
Genome position (GRCh38, 1-based): chr6:70,255,409, T>G on the plus strand (A>C on the coding strand, the complement: COL9A1 is on the minus strand). VCF-style: chr6-70255409-T-G. GRCh37 (hg19) VCF-style: chr6-70965112-T-G.
Other names: c.775-19A>C (NM_001377290.1, NM_078485.4, NM_001377289.1).
Identifiers: ClinVar variation 681055 (VCV000681055.10), dbSNP rs377339892, ClinGen allele CA3882160.
Genomic context (GRCh38, chr6:70,255,409, plus strand): 5'-GGGACCTGCTTCTCCTGGAGGTCCTCGCTGTCCTTGATCACCCTGTATGAAAATAAAATT[T>G]TGTTAATACAAGAAAAAGTTACTTATTAATCAACTTTTAAAAATTAGAAAGTATCATCCA-3'

ClinVar aggregate classification (germline): Benign/Likely benign. Review status: criteria provided, multiple submitters, no conflicts (2 of 4 stars). 4 submissions from 4 submitters: Benign (1); Likely benign (3). Last evaluated 2026-04-10.

Allele frequency attached by ClinVar (database versions not stated): gnomAD exomes 0.00005 and 0.00016; gnomAD 0.00007; TOPMed 0.00009; ExAC 0.00013; ESP Exome Variant Server 0.00023.
gnomAD v4.1: 90 of 1,612,448 alleles (0.0056%); highest among the groups gnomAD compares: African/African-American, 0.0013%; no homozygotes.

Submissions (4):

Women's Health and Genetics/Laboratory Corporation of America, LabCorp
Classification: Likely benign. Last evaluated: 2026-04-10. Review status: criteria provided, single submitter. Criteria: LabCorp Variant Classification Summary - May 2015. Collection method: clinical testing. Allele origin: germline.

Labcorp Genetics (formerly Invitae), Labcorp
Classification: Benign. Last evaluated: 2025-12-03. Review status: criteria provided, single submitter. Criteria: Invitae Variant Classification Sherloc (09022015). Collection method: clinical testing. Allele origin: germline.

Blueprint Genetics
Classification: Likely benign. Last evaluated: 2024-03-04. Review status: criteria provided, single submitter. Criteria: ACMG Guidelines, 2015. Collection method: clinical testing. Allele origin: germline.

GeneDx
Classification: Likely benign. Last evaluated: 2018-03-23. Review status: criteria provided, single submitter. Criteria: GeneDx Variant Classification (06012015). Collection method: clinical testing. Allele origin: germline. Affected: yes.
Comment: This variant is considered likely benign or benign based on one or more of the following criteria: it is a conservative change, it occurs at a poorly conserved position in the protein, it is predicted to be benign by multiple in silico algorithms, and/or has population frequency not consistent with disease.